The following is an entry in ClinVar:

ClinVar aggregate classification (germline): Likely benign. Review status: criteria provided, single submitter (1 of 4 stars). 2 submissions from 2 submitters: Likely benign (1). 1 of the submissions does not count toward it. Last evaluated 2026-01-25.

Conditions:
FOXRED1-related disorder. Also called: FOXRED1-related condition.

Allele frequency attached by ClinVar (database versions not stated): gnomAD exomes 0.00004 and 0.00009; ExAC 0.00011; ESP Exome Variant Server 0.00038; gnomAD 0.00053 and 0.00056; 1000 Genomes Project 0.00060; TOPMed 0.00060; 1000 Genomes Project 30x 0.00062.
gnomAD v4.1: 147 of 1,614,210 alleles (0.0091%); highest among the groups gnomAD compares: African/African-American, 0.18%; 1 homozygote.

Submissions (2):

Labcorp Genetics (formerly Invitae), Labcorp
Classification: Likely benign. Last evaluated: 2026-01-25. Review status: criteria provided, single submitter. Criteria: Invitae Variant Classification Sherloc (09022015). Collection method: clinical testing. Allele origin: germline.

PreventionGenetics, part of Exact Sciences
Classification: Likely benign for FOXRED1-related condition. Last evaluated: 2019-08-06. Review status: no assertion criteria provided. Collection method: clinical testing. Allele origin: germline. Not counted in ClinVar's aggregate classification.
Comment: This variant is classified as likely benign based on ACMG/AMP sequence variant interpretation guidelines (Richards et al. 2015 PMID: 25741868, with internal and published modifications).

NM_017547.4(FOXRED1):c.42C>A (p.Leu14=)

Genes: FOXRED1 (FAD dependent oxidoreductase domain containing 1; plus strand), LOC130007026 (ATAC-STARR-seq lymphoblastoid active region 5705; plus strand). Cytogenetic location: 11q24.2.
Variant type: single nucleotide variant.
Coding change: c.42C>A on transcript NM_017547.4 (MANE Select); coding-DNA position 42, C replaced by A.
Protein change: p.Leu14=; no amino-acid change (leucine 14 retained).
Molecular consequence: synonymous variant. On other transcripts: non-coding transcript variant (2).
Genome position (GRCh38, 1-based): chr11:126,269,248, C>A. VCF-style: chr11-126269248-C-A. GRCh37 (hg19) VCF-style: chr11-126139143-C-A.
Identifiers: ClinVar variation 773952 (VCV000773952.11), dbSNP rs144874060, ClinGen allele CA6353926.